The following is an entry in ClinVar:

ClinVar aggregate classification (germline): Uncertain significance. Review status: criteria provided, multiple submitters, no conflicts (2 of 4 stars). 6 submissions from 6 submitters: Uncertain significance (6). Last evaluated 2026-04-03.

Conditions:
ATM-related cancer predisposition. Also called: ATM-related cancer susceptibility. Identifiers: MedGen CN377759, MONDO:0700270.
Hereditary cancer-predisposing syndrome. Also called: Hereditary Cancer Syndrome; Tumor predisposition; Hereditary neoplastic syndrome; Neoplastic Syndromes, Hereditary. Identifiers: Orphanet 140162, MedGen C0027672, MeSH D009386, MONDO:0015356.
Ataxia-telangiectasia syndrome (AT). Also called: Cerebello-oculocutaneous telangiectasia; Immunodeficiency with ataxia telangiectasia; Ataxia-telangiectasia, complementation group D; ATAXIA-TELANGIECTASIA, COMPLEMENTATION GROUP A; ATAXIA-TELANGIECTASIA, FRESNO VARIANT; Ataxia telangiectasia (A-T). Identifiers: Orphanet 100, MedGen C0004135, MONDO:0008840, OMIM 208900.

Allele frequency attached by ClinVar (database versions not stated): gnomAD exomes below 0.00001; gnomAD 0.00001; TOPMed 0.00001.
gnomAD v4.1: 2 of 1,610,058 alleles (0.00012%); highest among the groups gnomAD compares: African/African-American, 0.0027%; no homozygotes.

Submissions (6):

Women's Health and Genetics/Laboratory Corporation of America, LabCorp
Classification: Uncertain significance. Last evaluated: 2026-04-03. Review status: criteria provided, single submitter. Criteria: LabCorp Variant Classification Summary - May 2015. Collection method: clinical testing. Allele origin: germline.
Comment: Variant summary: ATM c.2167G>T (p.Val723Leu) results in a conservative amino acid change in the encoded protein sequence. Algorithms developed to predict the effect of missense changes on protein structure and function all suggest that this variant is likely to be tolerated. The variant was absent in 251128 control chromosomes (gnomAD). The available data on variant occurrences in the general population are insufficient to allow any conclusion about variant significance. c.2167G>T has been observed in an individual(s) affected with Breast Cancer without strong evidence of causality (Guindalini_2022). This report does not provide unequivocal conclusions about association of the variant with Breast Cancer. To our knowledge, no experimental evidence demonstrating an impact on protein function has been reported. ClinVar contains an entry for this variant (Variation ID: 453405). Based on the evidence outlined above, the variant was classified as uncertain significance.

Labcorp Genetics (formerly Invitae), Labcorp
Classification: Uncertain significance for Ataxia-telangiectasia syndrome. Last evaluated: 2026-01-25. Review status: criteria provided, single submitter. Criteria: Invitae Variant Classification Sherloc (09022015). Collection method: clinical testing. Allele origin: germline.
Comment: This sequence change replaces valine, which is neutral and non-polar, with leucine, which is neutral and non-polar, at codon 723 of the ATM protein (p.Val723Leu). This variant is not present in population databases (gnomAD no frequency). This missense change has been observed in individual(s) with breast cancer (PMID: 35264596). ClinVar contains an entry for this variant (Variation ID: 453405). Invitae Evidence Modeling of protein sequence and biophysical properties (such as structural, functional, and spatial information, amino acid conservation, physicochemical variation, residue mobility, and thermodynamic stability) indicates that this missense variant is not expected to disrupt ATM protein function with a negative predictive value of 95%. In summary, the available evidence is currently insufficient to determine the role of this variant in disease. Therefore, it has been classified as a Variant of Uncertain Significance.

Dasa
Classification: Uncertain significance for ATM-related cancer predisposition. Last evaluated: 2025-03-27. Review status: criteria provided, single submitter. Criteria: DASA Assertion Criteria. Collection method: clinical testing. Allele origin: germline.
Comment: NM_000051.4(ATM):c.2167G>T (p.Val723Leu) is a missense variant that results in the substitution of valine with leucine. This variant is rare in population databases. Computational prediction algorithms are consistent with a benign effect. The currently available literature and clinical evidence are not sufficient to establish a definitive association between this variant and the reported condition. Therefore, this variant is classified as a variant of uncertain significance.

Ambry Genetics
Classification: Uncertain significance for Hereditary cancer-predisposing syndrome. Last evaluated: 2024-05-30. Review status: criteria provided, single submitter. Criteria: Ambry Variant Classification Scheme 2023. Collection method: clinical testing. Allele origin: germline.
Comment: The p.V723L variant (also known as c.2167G>T), located in coding exon 13 of the ATM gene, results from a G to T substitution at nucleotide position 2167. The valine at codon 723 is replaced by leucine, an amino acid with highly similar properties. This variant was detected in a cohort of 1663 Brazilian breast cancer patients who underwent hereditary multigene panel testing (Guindalini RSC et al. Sci Rep, 2022 Mar;12:4190). This amino acid position is well conserved in available vertebrate species. In addition, this alteration is predicted to be tolerated by in silico analysis. Based on the available evidence, the clinical significance of this variant remains unclear.

Color Diagnostics, LLC DBA Color Health
Classification: Uncertain significance for Hereditary cancer-predisposing syndrome. Last evaluated: 2021-03-23. Review status: criteria provided, single submitter. Criteria: ACMG Guidelines, 2015. Collection method: clinical testing. Allele origin: germline.
Comment: This missense variant replaces valine with leucine at codon 723 of the ATM protein. Computational prediction suggests that this variant may not impact protein structure and function (internally defined REVEL score threshold <= 0.5, PMID: 27666373). To our knowledge, functional studies have not been reported for this variant. This variant has not been reported in individuals affected with hereditary cancer in the literature. This variant has not been identified in the general population by the Genome Aggregation Database (gnomAD). The available evidence is insufficient to determine the role of this variant in disease conclusively. Therefore, this variant is classified as a Variant of Uncertain Significance.

Mendelics
Classification: Uncertain significance for Ataxia-telangiectasia syndrome. Last evaluated: 2018-07-02. Review status: criteria provided, single submitter. Criteria: Mendelics Assertion Criteria 2017. Collection method: clinical testing. Allele origin: unknown.

Literature cited by the submitters: PubMed 35264596 (cited by 3 submitters).

NM_000051.4(ATM):c.2167G>T (p.Val723Leu)

Gene: ATM (ATM serine/threonine kinase; plus strand). Cytogenetic location: 11q22.3.
Variant type: single nucleotide variant.
Coding change: c.2167G>T on transcript NM_000051.4 (MANE Select); coding-DNA position 2167, G replaced by T.
Protein change: p.Val723Leu; replaces valine 723 with leucine.
Molecular consequence: missense variant.
Genome position (GRCh38, 1-based): chr11:108,256,257, G>T. VCF-style: chr11-108256257-G-T. GRCh37 (hg19) VCF-style: chr11-108126984-G-T.
Other names: c.2167G>T, p.Val723Leu (NM_001351834.2); short protein forms V723L.
Identifiers: ClinVar variation 453405 (VCV000453405.16), dbSNP rs1419404231, ClinGen allele CA382538786.